The following is an entry in ClinVar:

NM_012463.4(ATP6V0A2):c.*2085C>G

Gene: ATP6V0A2 (ATPase H+ transporting V0 subunit a2; plus strand). Cytogenetic location: 12q24.31.
Variant type: single nucleotide variant.
Coding change: c.*2085C>G on transcript NM_012463.4 (MANE Select); 2085 bases downstream of the stop codon, C replaced by G.
Molecular consequence: 3 prime UTR variant.
Genome position (GRCh38, 1-based): chr12:123,760,117, C>G. VCF-style: chr12-123760117-C-G. GRCh37 (hg19) VCF-style: chr12-124244664-C-G.
Identifiers: ClinVar variation 307622 (VCV000307622.5), dbSNP rs185883563, ClinGen allele CA10640504.
Genomic context (GRCh38, chr12:123,760,117, plus strand): 5'-CTCCAGGGGTCTGTCATAAAAACAATGGTAACTACTTCATCCCTAGGAAGCCCAAGACTT[C>G]AGGGCACTGTTAGCTGATTGGTAAATAAGGGACACGATATTCACGGGAATTGTTTACTGC-3'

ClinVar aggregate classification (germline): Likely benign (1 of 4 stars; one submission).

Conditions:
Cutis laxa with osteodystrophy (ARCL2A). Also called: Debré-Type Cutis Laxa; CUTIS LAXA WITH CONGENITAL DISORDER OF GLYCOSYLATION; CUTIS LAXA, AUTOSOMAL RECESSIVE, TYPE IIA; CUTIS LAXA WITH BONE DYSTROPHY; CUTIS LAXA WITH GROWTH AND DEVELOPMENTAL DELAY; CUTIS LAXA WITH JOINT LAXITY AND RETARDED DEVELOPMENT. Identifiers: Orphanet 357058, MedGen C0268355, MONDO:0018163, OMIM 219200. Disease mechanism: loss of function.

Allele frequency attached by ClinVar (database versions not stated): 1000 Genomes Project 30x 0.00047; gnomAD 0.00001 and 0.00005; TOPMed 0.00007; 1000 Genomes Project 0.00060.
gnomAD v4.1: 7 of 152,302 alleles (0.0046%); highest among the groups gnomAD compares: East Asian, 0.14%; no homozygotes.

Submission:

Illumina Laboratory Services, Illumina
Classification: Likely benign for Cutis laxa with osteodystrophy. Last evaluated: 2018-01-13. Review status: criteria provided, single submitter. Criteria: ICSL Variant Classification Criteria 13 December 2019. Collection method: clinical testing. Allele origin: germline.
Comment: This variant was observed in the ICSL laboratory as part of a predisposition screen in an ostensibly healthy population. It had not been previously curated by ICSL or reported in the Human Gene Mutation Database (HGMD: prior to June 1st, 2018), and was therefore a candidate for classification through an automated scoring system. Utilizing variant allele frequency, disease prevalence and penetrance estimates, and inheritance mode, an automated score was calculated to assess if this variant is too frequent to cause the disease. Based on the score and internal cut-off values, a variant classified as likely benign is not then subjected to further curation. The score for this variant resulted in a classification of likely benign for this disease.